The following is an entry in ClinVar:

NM_000257.4(MYH7):c.658A>C (p.Ile220Leu)

Gene: MYH7 (myosin heavy chain 7; minus strand). Cytogenetic location: 14q11.2.
Variant type: single nucleotide variant.
Coding change: c.658A>C on transcript NM_000257.4 (MANE Select); coding-DNA position 658, A replaced by C.
Protein change: p.Ile220Leu; replaces isoleucine 220 with leucine.
Molecular consequence: missense variant.
Genome position (GRCh38, 1-based): chr14:23,431,659, T>G on the plus strand (A>C on the coding strand, the complement: MYH7 is on the minus strand). VCF-style: chr14-23431659-T-G. GRCh37 (hg19) VCF-style: chr14-23900868-T-G.
Other names: c.658A>C (LRG_384t1); short protein forms I220L.
Identifiers: ClinVar variation 312917 (VCV000312917.17), dbSNP rs779190577, ClinGen allele CA10644000.

ClinVar aggregate classification (germline): Uncertain significance. Review status: criteria provided, multiple submitters, no conflicts (2 of 4 stars). 6 submissions from 3 submitters: Uncertain significance (6). Last evaluated 2020-07-21.

Conditions:
Cardiomyopathy (CMYO). Also called: Cardiomyopathies. Identifiers: Orphanet 167848, MedGen C0878544, MONDO:0004994, HP:0001638. Inheritance: Various modes of inheritance.
Hypertrophic cardiomyopathy 1 (CMH1). Also called: Familial hypertrophic cardiomyopathy 1; MYH7-Related Familial Hypertrophic Cardiomyopathy. Identifiers: MedGen C3495498, MONDO:0008647, OMIM 192600.
MYH7-related skeletal myopathy. Also called: Myopathy, distal, 1; MYOPATHY, DISTAL, EARLY-ONSET, AUTOSOMAL DOMINANT; MYOPATHY, LATE DISTAL HEREDITARY; Laing distal myopathy; Laing early-onset distal myopathy. Identifiers: Orphanet 59135, MedGen C4552004, MONDO:0008050, OMIM 160500.
Dilated cardiomyopathy 1S (CMD1S). Identifiers: Orphanet 154, Orphanet 54260, MedGen C1834481, MONDO:0013262, OMIM 613426.
Myosin storage myopathy (CMYO7A). Also called: MYOPATHY, HYALINE BODY, AUTOSOMAL DOMINANT; Scapuloperoneal myopathy, MYH7-related; MYOPATHY WITH LYSIS OF TYPE I MYOFIBRILS; SCAPULOPERONEAL MUSCULAR DYSTROPHY; SCAPULOPERONEAL SYNDROME, MYOPATHIC TYPE; MYH7-related late-onset scapuloperoneal muscular dystrophy. Identifiers: Orphanet 437572, Orphanet 636965, MedGen C1842160, MONDO:0008409, OMIM 608358.
Hypertrophic cardiomyopathy. Also called: HYPERTROPHIC MYOCARDIOPATHY. Identifiers: Orphanet 217569, MedGen C0007194, MeSH D002312, MONDO:0005045, HP:0001639.

Submissions (6):

Color Diagnostics, LLC DBA Color Health
Classification: Uncertain significance for Cardiomyopathy. Last evaluated: 2020-07-21. Review status: criteria provided, single submitter. Criteria: ACMG Guidelines, 2015. Collection method: clinical testing. Allele origin: germline.
Comment: This missense variant replaces isoleucine with leucine at codon 220 of the MYH7 protein. Computational prediction suggests that this variant may have deleterious impact on protein structure and function (internally defined REVEL score threshold >= 0.7, PMID: 27666373). To our knowledge, functional studies have not been reported for this variant. This variant has not been reported in individuals affected with cardiovascular disorders in the literature. This variant has not been identified in the general population by the Genome Aggregation Database (gnomAD). This variant is found within a highly conserved region of the myosin head domain. Missense variants in this region have been shown to be significantly overrepresented in individuals with hypertrophic cardiomyopathy (PMID: 27532257). The available evidence is insufficient to determine the role of this variant in disease conclusively. Therefore, this variant is classified as a Variant of Uncertain Significance.

Labcorp Genetics (formerly Invitae), Labcorp
Classification: Uncertain significance for Hypertrophic cardiomyopathy. Last evaluated: 2018-07-31. Review status: criteria provided, single submitter. Criteria: Invitae Variant Classification Sherloc (09022015). Collection method: clinical testing. Allele origin: germline.
Comment: In summary, the available evidence is currently insufficient to determine the role of this variant in disease. Therefore, it has been classified as a Variant of Uncertain Significance. Algorithms developed to predict the effect of missense changes on protein structure and function are either unavailable or do not agree on the potential impact of this missense change (SIFT: "Deleterious"; PolyPhen-2: "Probably Damaging"; Align-GVGD: "Class C0"). This variant has not been reported in the literature in individuals with MYH7-related disease. ClinVar contains an entry for this variant (Variation ID: 312917). This variant is not present in population databases (ExAC no frequency). This sequence change replaces isoleucine with leucine at codon 220 of the MYH7 protein (p.Ile220Leu). The isoleucine residue is highly conserved and there is a small physicochemical difference between isoleucine and leucine. This variant is found within a region of MYH7 between codons 181 and 937 that contains the majority of the myosin head domain. Missense variants in this region have been shown to be significantly overrepresented in individuals with hypertrophic cardiomyopathy (PMID: 27532257).

Illumina Laboratory Services, Illumina
Classification: Uncertain significance for Hypertrophic cardiomyopathy 1. Last evaluated: 2018-01-13. Review status: criteria provided, single submitter. Criteria: ICSL Variant Classification Criteria 13 December 2019. Collection method: clinical testing. Allele origin: germline.

Illumina Laboratory Services, Illumina
Classification: Uncertain significance for Myosin storage myopathy. Last evaluated: 2018-01-13. Review status: criteria provided, single submitter. Criteria: ICSL Variant Classification Criteria 13 December 2019. Collection method: clinical testing. Allele origin: germline.

Illumina Laboratory Services, Illumina
Classification: Uncertain significance for MYH7-related skeletal myopathy. Last evaluated: 2018-01-13. Review status: criteria provided, single submitter. Criteria: ICSL Variant Classification Criteria 13 December 2019. Collection method: clinical testing. Allele origin: germline.

Illumina Laboratory Services, Illumina
Classification: Uncertain significance for Dilated cardiomyopathy 1S. Last evaluated: 2018-01-13. Review status: criteria provided, single submitter. Criteria: ICSL Variant Classification Criteria 13 December 2019. Collection method: clinical testing. Allele origin: germline.

Literature cited by the submitters: PubMed 27532257 (cited by Labcorp Genetics (formerly Invitae), Labcorp).